The following is an entry in ClinVar:

NM_000166.6(GJB1):c.343dup (p.Leu115fs)

Gene: GJB1 (gap junction protein beta 1; plus strand). Cytogenetic location: Xq13.1.
Variant type: Duplication.
Coding change: c.343dup on transcript NM_000166.6 (MANE Select); coding-DNA position 343, one base duplicated (C; older notation c.343dupC).
Protein change: p.Leu115fs; shifts the reading frame from leucine 115.
Molecular consequence: frameshift variant.
Genome position (GRCh38, 1-based): chrX:71,224,050, C duplicated; the last of 5 consecutive C bases (chrX:71,224,046-71,224,050); duplicating any one gives the same sequence. VCF-style (leftmost placement, unchanged base first): chrX-71224045-A-AC. GRCh37 (hg19) VCF-style: chrX-70443895-A-AC.
Other names: c.343dup, p.Leu115fs (NM_001097642.3); short protein forms L115fs.
Identifiers: ClinVar variation 406225 (VCV000406225.8), dbSNP rs1555937150, ClinGen allele CA16616536.

ClinVar aggregate classification (germline): Pathogenic (1 of 4 stars; one submission).

Conditions:
Charcot-Marie-Tooth Neuropathy X. Identifiers: MedGen CN118851.

Submission:

Labcorp Genetics (formerly Invitae), Labcorp
Classification: Pathogenic for Charcot-Marie-Tooth Neuropathy X. Last evaluated: 2016-11-30. Review status: criteria provided, single submitter. Criteria: Invitae Variant Classification Sherloc (09022015). Collection method: clinical testing. Allele origin: germline.
Comment: For these reasons, this variant has been classified as Pathogenic. This variant disrupts the final 169 amino acids, or about 60%, of the GJB1 protein. In addition, a different truncation downstream of this variant (p.Arg220*) has been determined to be pathogenic (PMID: 8162049, 9364054). This suggests that deletion of this region of the GJB1 protein is causative of disease. This variant has not been reported in the literature in individuals with a GJB1-related disease. This sequence change inserts 1 nucleotide in exon 2 of the GJB1 mRNA (c.343dupC), causing a frameshift at codon 115. This creates a premature translational stop signal in the last exon of the GJB1 mRNA (p.Leu115Profs*32). While this is not anticipated to result in nonsense mediated decay, it is expected to disrupt the last 169 amino acids of the GJB1 protein.

Literature cited by the submitters: PubMed 8162049; PubMed 9364054.